The following is an entry in ClinVar:

NM_018192.4(P3H2):c.1249G>A (p.Val417Ile)

Gene: P3H2 (prolyl 3-hydroxylase 2; minus strand). Cytogenetic location: 3q28.
Variant type: single nucleotide variant.
Coding change: c.1249G>A on transcript NM_018192.4 (MANE Select); coding-DNA position 1249, G replaced by A.
Protein change: p.Val417Ile; replaces valine 417 with isoleucine.
Molecular consequence: missense variant.
Genome position (GRCh38, 1-based): chr3:189,983,121, C>T on the plus strand (G>A on the coding strand, the complement: P3H2 is on the minus strand). VCF-style: chr3-189983121-C-T. GRCh37 (hg19) VCF-style: chr3-189700910-C-T.
Other names: c.706G>A, p.Val236Ile (NM_001134418.2); c.1249G>A (NM_018192.3); short protein forms V236I, V417I.
Identifiers: ClinVar variation 1001320 (VCV001001320.5), dbSNP rs750251743, ClinGen allele CA2753001.

ClinVar aggregate classification (germline): Uncertain significance. Review status: criteria provided, multiple submitters, no conflicts (2 of 4 stars). 3 submissions from 3 submitters: Uncertain significance (3). Last evaluated 2025-04-16.

Conditions:
Inborn genetic diseases. Identifiers: MedGen C0950123, MeSH D030342.

Allele frequency attached by ClinVar (database versions not stated): ExAC 0.00003; gnomAD 0.00003; gnomAD exomes 0.00003 and 0.00004; TOPMed 0.00005.
gnomAD v4.1: 57 of 1,613,614 alleles (0.0035%); highest among the groups gnomAD compares: Middle Eastern, 0.016%; no homozygotes.

Submissions (3):

Labcorp Genetics (formerly Invitae), Labcorp
Classification: Uncertain significance. Last evaluated: 2025-04-16. Review status: criteria provided, single submitter. Criteria: Invitae Variant Classification Sherloc (09022015). Collection method: clinical testing. Allele origin: germline.
Comment: This sequence change replaces valine, which is neutral and non-polar, with isoleucine, which is neutral and non-polar, at codon 417 of the P3H2 protein (p.Val417Ile). This variant is present in population databases (rs750251743, gnomAD 0.006%). This variant has not been reported in the literature in individuals affected with P3H2-related conditions. ClinVar contains an entry for this variant (Variation ID: 1001320). Invitae Evidence Modeling of protein sequence and biophysical properties (such as structural, functional, and spatial information, amino acid conservation, physicochemical variation, residue mobility, and thermodynamic stability) indicates that this missense variant is not expected to disrupt P3H2 protein function with a negative predictive value of 80%. In summary, the available evidence is currently insufficient to determine the role of this variant in disease. Therefore, it has been classified as a Variant of Uncertain Significance.

Ambry Genetics
Classification: Uncertain significance for Inborn genetic diseases. Last evaluated: 2024-12-16. Review status: criteria provided, single submitter. Criteria: Ambry Variant Classification Scheme 2023. Collection method: clinical testing. Allele origin: germline.

Blueprint Genetics
Classification: Uncertain significance. Last evaluated: 2023-01-26. Review status: criteria provided, single submitter. Criteria: ACMG Guidelines, 2015. Collection method: clinical testing. Allele origin: germline.